The following is an entry in ClinVar:

ClinVar aggregate classification (germline): Uncertain significance. Review status: criteria provided, multiple submitters, no conflicts (2 of 4 stars). 2 submissions from 2 submitters: Uncertain significance (2). Last evaluated 2026-03-09.

Conditions:
CNOT3-related disorder. Also called: CNOT3-related condition.

Submissions (2):

GeneDx
Classification: Uncertain significance. Last evaluated: 2026-03-09. Review status: criteria provided, single submitter. Criteria: GeneDx Variant Classification Process June 2021. Collection method: clinical testing. Allele origin: germline.
Comment: Reported in a cohort of patients with autism spectrum disorder (PMID: 34615535); Not observed at significant frequency in large population cohorts (gnomAD); In silico analysis supports that this missense variant has a deleterious effect on protein structure/function; This variant is associated with the following publications: (PMID: 34615535)

PreventionGenetics, part of Exact Sciences
Classification: Uncertain significance for CNOT3-related condition. Last evaluated: 2022-08-31. Review status: criteria provided, single submitter. Criteria: ACMG Guidelines, 2015. Collection method: clinical testing. Allele origin: germline.
Comment: The CNOT3 c.2128G>A variant is predicted to result in the amino acid substitution p.Glu710Lys. To our knowledge, this variant has not been reported in a large population database, indicating this variant is rare. It has been reported in at least one individual with autistic features, however inheritance information was not reported (Additional File 4, Mahjani et al. 2021. PubMed ID: 34615535). At this time, the clinical significance of this variant is uncertain due to the absence of conclusive functional and genetic evidence.

NM_014516.4(CNOT3):c.2128G>A (p.Glu710Lys)

Gene: CNOT3 (CCR4-NOT transcription complex subunit 3; plus strand). Cytogenetic location: 19q13.42.
Variant type: single nucleotide variant.
Coding change: c.2128G>A on transcript NM_014516.4 (MANE Select); coding-DNA position 2128, G replaced by A.
Protein change: p.Glu710Lys; replaces glutamic acid 710 with lysine.
Molecular consequence: missense variant.
Genome position (GRCh38, 1-based): chr19:54,153,805, G>A. VCF-style: chr19-54153805-G-A. GRCh37 (hg19) VCF-style: chr19-54657542-G-A.
Other names: short protein forms E710K.
Identifiers: ClinVar variation 2636575 (VCV002636575.2), dbSNP rs2514439275, ClinGen allele CA407772119.
Genomic context (GRCh38, chr19:54,153,805, plus strand): 5'-GCCCTAAAGAAGCAGTCATGGCGATTCCACACCAAGTACATGATGTGGTTCCAGAGGCAC[G>A]AGGAGCCCAAGACCATCACTGACGAGTTTGAGCAGGTGAGGGCCCCGCCCCCTCTCTTCC-3'
Protein context (NP_055331.1, residues 700-720): TKYMMWFQRH[Glu710Lys]EPKTITDEFE